The following is an entry in ClinVar:

ClinVar aggregate classification (germline): Uncertain significance (1 of 4 stars; one submission).

Conditions:
Autosomal dominant nonsyndromic hearing loss 65. Also called: Deafness, autosomal dominant 65; TBC1D24-Related Autosomal Dominant Nonsyndromic Hearing Loss (DFNA). Identifiers: Orphanet 90635, MedGen C3892048, MONDO:0014470, OMIM 616044.
Developmental and epileptic encephalopathy, 1 (DEE1). Also called: INFANTILE SPASM SYNDROME, X-LINKED 1; X-linked infantile spasms; West's syndrome; Tonic spasms with clustering, arrest of psychomotor development and hypsarrhythmia on EEG; X-Linked Infantile Spasm Syndrome; OHTAHARA SYNDROME, X-LINKED. Identifiers: MedGen C3463992, MONDO:0010632, OMIM 308350. Disease mechanism: loss of function.

gnomAD v4.1: 3 of 1,610,646 alleles (0.00019%); highest among the groups gnomAD compares: Non-Finnish European, 0.00025%; no homozygotes.

Submission:

Labcorp Genetics (formerly Invitae), Labcorp
Classification: Uncertain significance for Developmental and epileptic encephalopathy, 1; Autosomal dominant nonsyndromic hearing loss 65. Last evaluated: 2025-05-04. Review status: criteria provided, single submitter. Criteria: Invitae Variant Classification Sherloc (09022015). Collection method: clinical testing. Allele origin: germline.
Comment: This sequence change replaces threonine, which is neutral and polar, with alanine, which is neutral and non-polar, at codon 558 of the TBC1D24 protein (p.Thr558Ala). This variant is not present in population databases (gnomAD no frequency). This variant has not been reported in the literature in individuals affected with TBC1D24-related conditions. Invitae Evidence Modeling of protein sequence and biophysical properties (such as structural, functional, and spatial information, amino acid conservation, physicochemical variation, residue mobility, and thermodynamic stability) has been performed for this missense variant. However, the output from this modeling did not meet the statistical confidence thresholds required to predict the impact of this variant on TBC1D24 protein function. In summary, the available evidence is currently insufficient to determine the role of this variant in disease. Therefore, it has been classified as a Variant of Uncertain Significance.

NM_001199107.2(TBC1D24):c.1672A>G (p.Thr558Ala)

Gene: TBC1D24 (TBC1 domain family member 24; plus strand). Cytogenetic location: 16p13.3.
Variant type: single nucleotide variant.
Coding change: c.1672A>G on transcript NM_001199107.2 (MANE Select); coding-DNA position 1672, A replaced by G.
Protein change: p.Thr558Ala; replaces threonine 558 with alanine.
Molecular consequence: missense variant.
Genome position (GRCh38, 1-based): chr16:2,500,950, A>G. VCF-style: chr16-2500950-A-G. GRCh37 (hg19) VCF-style: chr16-2550951-A-G.
Other names: c.1654A>G, p.Thr552Ala (NM_020705.3); short protein forms T552A, T558A.
Identifiers: ClinVar variation 4812738 (VCV004812738.1).